The following is an entry in ClinVar:

NM_148960.3(CLDN19):c.535G>C (p.Gly179Arg)

Gene: CLDN19 (claudin 19; minus strand). Cytogenetic location: 1p34.2.
Variant type: single nucleotide variant.
Coding change: c.535G>C on transcript NM_148960.3 (MANE Select); coding-DNA position 535, G replaced by C.
Protein change: p.Gly179Arg; replaces glycine 179 with arginine.
Molecular consequence: missense variant. On other transcripts: synonymous variant (1).
Genome position (GRCh38, 1-based): chr1:42,735,969, C>G on the plus strand (G>C on the coding strand, the complement: CLDN19 is on the minus strand). VCF-style: chr1-42735969-C-G. GRCh37 (hg19) VCF-style: chr1-43201640-C-G.
Other names: c.535G>C, p.Gly179Arg (NM_001123395.2); c.450G>C, p.Ala150= (NM_001185117.2); short protein forms G179R.
Identifiers: ClinVar variation 3242162 (VCV003242162.1), dbSNP rs145591298.

ClinVar aggregate classification (germline): Likely pathogenic (1 of 4 stars; one submission).

Conditions:
Renal hypomagnesemia 5 with ocular involvement. Also called: FHHNC WITH SEVERE OCULAR INVOLVEMENT; HYPOMAGNESEMIA, FAMILIAL, WITH HYPERCALCIURIA, NEPHROCALCINOSIS, AND SEVERE OCULAR INVOLVEMENT; MACULAR COLOBOMA, BILATERAL, WITH HYPERCALCIURIA; HYPOMAGNESEMIA 5, RENAL, WITH OR WITHOUT OCULAR INVOLVEMENT. Identifiers: Orphanet 2196, MedGen C4721891, MONDO:0009548, OMIM 248190.

Submission:

Neuberg Centre For Genomic Medicine, NCGM
Classification: Likely pathogenic for Renal hypomagnesemia 5 with ocular involvement. Review status: criteria provided, single submitter. Criteria: ACMG Guidelines, 2015. Collection method: clinical testing. Allele origin: germline. Inheritance: Autosomal recessive inheritance. Affected: yes.
Comment: The missense c.535G>C (p.Gly179Arg) variant in the CLDN19 gene has not been reported previously as a pathogenic variant nor as a benign variant, to our knowledge. A different amino acid change (p.Gly179Ser) is reported at the same position as a known pathogenic variant (Cogal et al., 2022). This variant is absent in gnomAD Exomes. The amino acid Glycine at position 179 is changed to an Arginine changing protein sequence and it might alter its composition and physico-chemical properties. Multiple lines of computational evidence (Polyphen - Damaging, SIFT - Damaging and MutationTaster - Disease causing) predict a damaging effect on protein structure and function for this variant. The amino acid change p.Gly179Arg in CLDN19 is predicted as conserved by GERP++ and PhyloP across 100 vertebrates. As different amino acid change (p.Gly179Ser) is reported at the same position as a known pathogenic variant (Cogal et al., 2022) suggesting it is an important residue, however further functional evidence required to prove pathogenicity. For these reasons, this variant has been classified as Likely Pathogenic.